The following is an entry in ClinVar:

NM_015102.5(NPHP4):c.909C>T (p.Val303=)

Gene: NPHP4 (nephrocystin 4; minus strand). Cytogenetic location: 1p36.31.
Variant type: single nucleotide variant.
Coding change: c.909C>T on transcript NM_015102.5 (MANE Select); coding-DNA position 909, C replaced by T.
Protein change: p.Val303=; no amino-acid change (valine 303 retained).
Molecular consequence: synonymous variant. On other transcripts: 5 prime UTR variant (2), non-coding transcript variant (1).
Genome position (GRCh38, 1-based): chr1:5,948,153, G>A on the plus strand (C>T on the coding strand, the complement: NPHP4 is on the minus strand). VCF-style: chr1-5948153-G-A. GRCh37 (hg19) VCF-style: chr1-6008213-G-A.
Other names: c.-458C>T (NM_001291593.2, NM_001291594.2).
Identifiers: ClinVar variation 593566 (VCV000593566.18), dbSNP rs201488441, ClinGen allele CA554703.

ClinVar aggregate classification (germline): Conflicting classifications of pathogenicity. Review status: criteria provided, conflicting classifications (1 of 4 stars). 4 submissions from 4 submitters: Uncertain significance (1); Likely benign (2). 1 of the submissions does not count toward it. Last evaluated 2026-01-08.

Conditions:
NPHP4-related disorder. Also called: NPHP4-related disorders; NPHP4-related condition. Identifiers: MedGen CN239384.
Nephronophthisis. Also called: Juvenile Nephronophthisis. Identifiers: Orphanet 655, MedGen C0687120, MONDO:0019005, HP:0000090.

Allele frequency attached by ClinVar (database versions not stated): gnomAD exomes 0.00007 and 0.00012; ExAC 0.00013; TOPMed 0.00037; 1000 Genomes Project 0.00040; gnomAD 0.00029 and 0.00030; 1000 Genomes Project 30x 0.00031; ESP Exome Variant Server 0.00023.
gnomAD v4.1: 148 of 1,613,518 alleles (0.0092%); highest among the groups gnomAD compares: African/African-American, 0.091%; no homozygotes.

Submissions (4):

Labcorp Genetics (formerly Invitae), Labcorp
Classification: Likely benign for Nephronophthisis. Last evaluated: 2026-01-08. Review status: criteria provided, single submitter. Criteria: Invitae Variant Classification Sherloc (09022015). Collection method: clinical testing. Allele origin: germline.

Blueprint Genetics
Classification: Likely benign. Last evaluated: 2022-08-31. Review status: criteria provided, single submitter. Criteria: ACMG Guidelines, 2015. Collection method: clinical testing. Allele origin: germline.

Eurofins Ntd Llc (ga)
Classification: Uncertain significance. Last evaluated: 2017-08-08. Review status: criteria provided, single submitter. Criteria: EGL Classification Definitions 2015. Collection method: clinical testing. Allele origin: germline. Observed: 2 variant alleles, 2 heterozygotes.

PreventionGenetics, part of Exact Sciences
Classification: Likely benign for NPHP4-related condition. Last evaluated: 2021-10-05. Review status: no assertion criteria provided. Collection method: clinical testing. Allele origin: germline. Not counted in ClinVar's aggregate classification.
Comment: This variant is classified as likely benign based on ACMG/AMP sequence variant interpretation guidelines (Richards et al. 2015 PMID: 25741868, with internal and published modifications).